The following is an entry in ClinVar:

NM_020708.5(SLC12A5):c.1007C>G (p.Thr336Ser)

Gene: SLC12A5 (solute carrier family 12 member 5; plus strand). Cytogenetic location: 20q13.12.
Variant type: single nucleotide variant.
Coding change: c.1007C>G on transcript NM_020708.5 (MANE Select); coding-DNA position 1007, C replaced by G.
Protein change: p.Thr336Ser; replaces threonine 336 with serine.
Molecular consequence: missense variant.
Genome position (GRCh38, 1-based): chr20:46,041,481, C>G. VCF-style: chr20-46041481-C-G. GRCh37 (hg19) VCF-style: chr20-44670120-C-G.
Other names: c.1076C>G, p.Thr359Ser (NM_001134771.2); short protein forms T359S, T336S.
Identifiers: ClinVar variation 1943209 (VCV001943209.5), dbSNP rs376919183, ClinGen allele CA9887202.

ClinVar aggregate classification (germline): Uncertain significance (1 of 4 stars; one submission).

Conditions:
Developmental and epileptic encephalopathy, 34 (DEE34). Also called: SLC12A5-Related Epilepsy of Infancy with Migrating Focal Seizures; Early infantile epileptic encephalopathy 34. Identifiers: Orphanet 293181, MedGen C4225257, MONDO:0014718, OMIM 616645.

Allele frequency attached by ClinVar (database versions not stated): ExAC 0.00001; gnomAD 0.00001; TOPMed 0.00001; ESP Exome Variant Server 0.00008.
gnomAD v4.1: 1 of 1,613,996 alleles (0.000062%); highest among the groups gnomAD compares: African/African-American, 0.0013%; no homozygotes.

Submission:

Labcorp Genetics (formerly Invitae), Labcorp
Classification: Uncertain significance for Developmental and epileptic encephalopathy, 34. Last evaluated: 2022-10-04. Review status: criteria provided, single submitter. Criteria: Invitae Variant Classification Sherloc (09022015). Collection method: clinical testing. Allele origin: germline.
Comment: This variant has not been reported in the literature in individuals affected with SLC12A5-related conditions. In summary, the available evidence is currently insufficient to determine the role of this variant in disease. Therefore, it has been classified as a Variant of Uncertain Significance. Advanced modeling of protein sequence and biophysical properties (such as structural, functional, and spatial information, amino acid conservation, physicochemical variation, residue mobility, and thermodynamic stability) performed at Invitae indicates that this missense variant is not expected to disrupt SLC12A5 protein function. This variant is present in population databases (rs376919183, gnomAD 0.007%). This sequence change replaces threonine, which is neutral and polar, with serine, which is neutral and polar, at codon 336 of the SLC12A5 protein (p.Thr336Ser).